The following is an entry in ClinVar:

ClinVar aggregate classification (germline): Pathogenic (1 of 4 stars; one submission).

Submission:

ISCA site 17
Classification: Pathogenic. Last evaluated: 2011-08-12. Review status: criteria provided, single submitter. Criteria: Kaminsky et al. (Genet Med. 2011). Collection method: clinical testing. Allele origin: unknown. Affected: yes. Observed: 1 variant allele.
Comment: Copy number variation identified through the course of routine clinical cytogenomic testing in postnatal populations. Clinical assertions have been curated as described in Kaminsky et al. 2011.

GRCh38/hg38 8p23.3-23.2(chr8:241530-3701826)x1

Genes: ARHGEF10 (Rho guanine nucleotide exchange factor 10; plus strand), CLN8 (CLN8 transmembrane ER and ERGIC protein; plus strand), CLN8-AS1 (CLN8 antisense RNA 1; minus strand), CSMD1 (CUB and Sushi multiple domains 1; minus strand), KBTBD11 (kelch repeat and BTB domain containing 11; plus strand) and 63 more. Cytogenetic location: 8p23.3-23.2.
Variant type: copy number loss.
Change: copy number 1 (one copy instead of two) of chr8:241,530-3,701,826 (3.46 Mb, GRCh38 coordinates, 1-based), cytogenetic band 8p23.3-23.2.
Identifiers: ClinVar variation 60342 (VCV000060342.1).